The following is an entry in ClinVar:

ClinVar aggregate classification (germline): Likely pathogenic (1 of 4 stars; one submission).

Conditions:
Familial adenomatous polyposis 1 (FAP1). Also called: FAMILIAL ADENOMATOUS POLYPOSIS 1, ATTENUATED; POLYPOSIS, ADENOMATOUS INTESTINAL. Identifiers: MedGen C2713442, MONDO:0021056, OMIM 175100. Disease mechanism: loss of function.

Submission:

Myriad Genetics, Inc.
Classification: Likely pathogenic for Familial adenomatous polyposis 1. Last evaluated: 2023-04-27. Review status: criteria provided, single submitter. Criteria: Myriad Autosomal Dominant, Autosomal Recessive and X-Linked Classification Criteria (2023). Collection method: clinical testing. Allele origin: unknown.
Comment: This variant is considered likely pathogenic. This variant occurs within a consensus splice junction and is predicted to result in abnormal mRNA splicing of either an out-of-frame exon or an in-frame exon necessary for protein stability and/or normal function.

NM_000038.6(APC):c.834+2T>G

Gene: APC (APC regulator of Wnt signaling pathway; plus strand). Cytogenetic location: 5q22.2.
Variant type: single nucleotide variant.
Coding change: c.834+2T>G on transcript NM_000038.6 (MANE Select); the canonical splice donor site of the intron after coding-DNA position 834, T replaced by G.
Molecular consequence: splice donor variant.
Genome position (GRCh38, 1-based): chr5:112,801,385, T>G. VCF-style: chr5-112801385-T-G. GRCh37 (hg19) VCF-style: chr5-112137082-T-G.
Other names: c.-202+2T>G (NM_001407470.1, NM_001407472.1, NM_001354906.2 and 1 more transcripts); c.834+2T>G (NM_001407447.1, NM_001354895.2, NM_001407456.1 and 12 more transcripts); c.750+2T>G (NM_001407452.1, NM_001407469.1, NM_001354899.2 and 1 more transcripts); c.864+2T>G (NM_001407446.1, NM_001354897.2, NM_001354902.2); c.780+2T>G (NM_001127511.3); c.657+2T>G (NM_001407453.1, NM_001354900.2, NM_001354901.2 and 1 more transcripts); c.759+2T>G (NM_001407451.1, NM_001354898.2, NM_001354904.2).
Identifiers: ClinVar variation 2584013 (VCV002584013.1), dbSNP rs2149712622, ClinGen allele CA360618297.